The following is an entry in ClinVar:

ClinVar aggregate classification (germline): Uncertain significance (1 of 4 stars; one submission).

Conditions:
Hereditary cancer-predisposing syndrome. Also called: Hereditary Cancer Syndrome; Hereditary neoplastic syndrome; Neoplastic Syndromes, Hereditary; Tumor predisposition. Identifiers: Orphanet 140162, MedGen C0027672, MeSH D009386, MONDO:0015356.

Submission:

Sema4
Classification: Uncertain significance for Hereditary cancer-predisposing syndrome. Last evaluated: 2021-10-02. Review status: criteria provided, single submitter. Criteria: Sema4 Curation Guidelines. Collection method: curation. Allele origin: germline.
Comment: The ATM c.2124+4A>C variant has not been reported in the literature to our knowledge. It was not observed in the large and broad cohorts of the Genome Aggregation Database. The variant has not been reported in ClinVar. The evidence is insufficient to meet ACMG/AMP criteria for classifying the variant as benign or pathogenic. Thus, the clinical significance of this variant is currently uncertain.

NM_000051.4(ATM):c.2124+4A>C

Gene: ATM (ATM serine/threonine kinase; plus strand). Cytogenetic location: 11q22.3.
Variant type: single nucleotide variant.
Coding change: c.2124+4A>C on transcript NM_000051.4 (MANE Select); 4 bases into the intron after coding-DNA position 2124, A replaced by C.
Molecular consequence: intron variant.
Genome position (GRCh38, 1-based): chr11:108,254,043, A>C. VCF-style: chr11-108254043-A-C. GRCh37 (hg19) VCF-style: chr11-108124770-A-C.
Other names: c.2124+4A>C (NM_001351834.2).
Identifiers: ClinVar variation 1692512 (VCV001692512.1), dbSNP rs2135372342, ClinGen allele CA2573146784.